The following is an entry in ClinVar:

NM_007294.4(BRCA1):c.5429T>C (p.Val1810Ala)

Gene: BRCA1 (BRCA1 DNA repair associated; minus strand). Cytogenetic location: 17q21.31.
Variant type: single nucleotide variant.
Coding change: c.5429T>C on transcript NM_007294.4 (MANE Select); coding-DNA position 5429, T replaced by C.
Protein change: p.Val1810Ala; replaces valine 1810 with alanine.
Molecular consequence: missense variant. On other transcripts: synonymous variant (17).
Genome position (GRCh38, 1-based): chr17:43,047,681, A>G on the plus strand (T>C on the coding strand, the complement: BRCA1 is on the minus strand). VCF-style: chr17-43047681-A-G. GRCh37 (hg19) VCF-style: chr17-41199698-A-G.
Other names: c.5429T>C, p.Val1810Ala (NM_001407597.1, NM_001407598.1, NM_001407602.1 and 5 more transcripts); c.5426T>C, p.Val1809Ala (NM_001407610.1, NM_001407611.1, NM_001407612.1 and 14 more transcripts); c.5423T>C, p.Val1808Ala (NM_001407627.1, NM_001407628.1, NM_001407629.1 and 13 more transcripts); c.5420T>C, p.Val1807Ala (NM_001407644.1, NM_001407645.1); c.5417T>C, p.Val1806Ala (NM_001407646.1); c.5414T>C, p.Val1805Ala (NM_001407647.1); c.5372T>C, p.Val1791Ala (NM_001407648.1); c.5369T>C, p.Val1790Ala (NM_001407649.1); and 83 more; short protein forms V1810A, V706A, V1831A, V1763A, V1514A, V1698A, V1740A, V1761A.
Identifiers: ClinVar variation 185996 (VCV000185996.35), dbSNP rs80357451, ClinGen allele CA003590.
Genomic context (GRCh38, chr17:43,047,681, plus strand): 5'-CAGGTACATGCAGGCACCTTACCATGGAAGCCATTGTCCTCTGTCCAGGCATCTGGCTGC[A>G]CAACCACAATTGGGTGGACACCCTGGATCCCCAGGAAGGAAAGAGCATTCAAAGTGTCAA-3'
Protein context (NP_009225.1, residues 1800-1820): LGTGVHPIVV[Val1810Ala]QPDAWTEDNG

ClinVar aggregate classification (germline): Conflicting classifications of pathogenicity. Review status: criteria provided, conflicting classifications (1 of 4 stars). 11 submissions from 11 submitters: Uncertain significance (7); Likely benign (2). 2 of the submissions do not count toward it. Last evaluated 2025-01-12.

Conditions:
Hereditary breast ovarian cancer syndrome. Also called: Hereditary breast and ovarian cancer syndrome; Hereditary breast and ovarian cancer syndrome (HBOC); BRCA1- and BRCA2-Associated Hereditary Breast and Ovarian Cancer; Breast and ovarian cancer; Hereditary breast and ovarian cancer; Hereditary breast and/or ovarian cancer syndrome. Identifiers: Orphanet 145, MedGen C0677776, MeSH D061325, MONDO:0003582. Disease mechanism: loss of function.
Breast-ovarian cancer, familial, susceptibility to, 1 (BROVCA1). Also called: OVARIAN CANCER, SUSCEPTIBILITY TO; BRCA1 Hereditary Breast and Ovarian Cancer. Identifiers: Orphanet 145, MedGen C2676676, MONDO:0011450, OMIM 604370. Disease mechanism: loss of function.
Malignant tumor of breast. Also called: Malignant breast neoplasm; Cancer breast. Identifiers: MedGen C0006142, MONDO:0007254. Disease mechanism: loss of function.
Hereditary cancer-predisposing syndrome. Also called: Hereditary Cancer Syndrome; Hereditary neoplastic syndrome; Tumor predisposition; Neoplastic Syndromes, Hereditary. Identifiers: Orphanet 140162, MedGen C0027672, MeSH D009386, MONDO:0015356.

Allele frequency attached by ClinVar (database versions not stated): gnomAD exomes below 0.00001; gnomAD 0.00002; TOPMed 0.00003.
gnomAD v4.1: 8 of 1,614,134 alleles (0.0005%); highest among the groups gnomAD compares: African/African-American, 0.0093%; no homozygotes.

Submissions 1 to 6 of 12:

Labcorp Genetics (formerly Invitae), Labcorp
Classification: Uncertain significance for Hereditary breast ovarian cancer syndrome. Last evaluated: 2025-01-12. Review status: criteria provided, single submitter. Criteria: Invitae Variant Classification Sherloc (09022015). Collection method: clinical testing. Allele origin: germline.
Comment: This sequence change replaces valine, which is neutral and non-polar, with alanine, which is neutral and non-polar, at codon 1810 of the BRCA1 protein (p.Val1810Ala). This variant is present in population databases (rs80357451, gnomAD 0.008%). This variant has not been reported in the literature in individuals affected with BRCA1-related conditions. ClinVar contains an entry for this variant (Variation ID: 185996). Invitae Evidence Modeling incorporating data from in vitro experimental studies (PMID: 30209399) indicates that this missense variant is not expected to disrupt BRCA1 function with a negative predictive value of 95%. Experimental studies have shown that this missense change does not substantially affect BRCA1 function (PMID: 30209399). In summary, the available evidence is currently insufficient to determine the role of this variant in disease. Therefore, it has been classified as a Variant of Uncertain Significance.

Color Diagnostics, LLC DBA Color Health
Classification: Uncertain significance for Hereditary cancer-predisposing syndrome. Last evaluated: 2024-08-28. Review status: criteria provided, single submitter. Criteria: ACMG Guidelines, 2015. Collection method: clinical testing. Allele origin: germline.
Comment: This missense variant replaces valine with alanine at codon 1810 of the BRCA1 protein. Computational prediction suggests that this variant may have deleterious impact on protein structure and function. This variant has been reported to be functional in a haploid cell proliferation assay (PMID: 30209399). A multifactorial analysis has reported a likelihood ratio for pathogenicity based on personal and family history of 0.245 from log(LR)=-0.611005425 (PMID: 31853058). This variant has been identified in 1/251496 chromosomes in the general population by the Genome Aggregation Database (gnomAD). The available evidence is insufficient to determine the role of this variant in disease conclusively. Therefore, this variant is classified as a Variant of Uncertain Significance.

GeneDx
Classification: Uncertain significance. Last evaluated: 2024-06-11. Review status: criteria provided, single submitter. Criteria: GeneDx Variant Classification Process June 2021. Collection method: clinical testing. Allele origin: germline. Affected: yes.
Comment: Observed in individuals undergoing multi-gene hereditary cancer panel testing (PMID: 31853058); In silico analysis supports that this missense variant has a deleterious effect on protein structure/function; Not observed at significant frequency in large population cohorts (gnomAD); Also known as 5548T>C; This variant is associated with the following publications: (PMID: 29884841, 32377563, 25348405, 30209399, 34981296, 31853058)

Lupski Lab, Baylor-Hopkins CMG, Baylor College of Medicine
Classification: Likely benign for Breast-ovarian cancer, familial, susceptibility to, 1. Last evaluated: 2024-04-12. Review status: criteria provided, single submitter. Criteria: Dawood et al. (medRxiv. 2024). Collection method: curation. Allele origin: germline.
Comment: Each variant was annotated with functional scores from MAVE data which was translated into functional evidence codes. All other evidence codes and combining criteria were adhered to as closely as possible based on the ClinGen VCEP (Variant Curation Expert Panel) gene-specific recommendations. See Supplemental Figure 34 of final paper (Supp Fig. 28 in preprint: doi:10.1101/2024.04.11.24305690) for a table to see which lines of evidence we did not have data for. The ClinGen VCEPs are highly regarded as the gold-standard for gene-specific variant curation and are developed after extensive evaluation of the evidence by clinical and scientific experts for the particular gene to classify genomic variants on a spectrum from pathogenic to benign using the 2015 ACMG/AMP Variant Interpretation Guidelines as a backbone (PMID: 25741868). Reclassification of these VUS variants from gnomAD or All of Us focused only on variants originally prescribed as VUS in ClinVar. To ensure reproducibility, transparency, and increased throughput, all the procedures for annotating variants and assigning evidence codes were codified using Python. All code has been made freely available and is linked in the Code Availability section and all reclassified variants with evidence codes used can be found in Tables S18-19 (preprint: doi:10.1101/2024.04.11.24305690). For the MAVE data, the clinical curation and clinical strength assignment as per the ClinGen recommendations in Brnich et al. (2020) (PMID: 31892348) for or against pathogenicity or benignity of each of these MAVE datasets utilized in this study were previously published in Fayer et al. (2021) (PMID: 34793697).In brief, for BRCA1 variants, if a variant was categorized as FUNC (functional), it was assigned BS3 evidence and no PS3 evidence, whereas if it was categorized as LOF (loss of function), the variant was assigned PS3 evidence and no BS3 evidence. Variants categorized as INT (intermediate) were left unannotated. For the BRCA1 combining criteria, greater than or equal to 1 criteria of strong benign evidence was enough to reclassify the VUS as Likely Benign. This variant GRCh38:17:43047681:A>G was assigned evidence codes ['BS3'] and an overall classification of Likely benign

Baylor Genetics
Classification: Uncertain significance for Breast-ovarian cancer, familial, susceptibility to, 1. Last evaluated: 2024-03-11. Review status: criteria provided, single submitter. Criteria: ACMG Guidelines, 2015. Collection method: clinical testing. Allele origin: unknown.

All of Us Research Program, National Institutes of Health
Classification: Uncertain significance for Breast-ovarian cancer, familial, susceptibility to, 1. Last evaluated: 2023-12-01. Review status: criteria provided, single submitter. Criteria: ACMG Guidelines, 2015. Collection method: clinical testing. Allele origin: germline. Inheritance: Autosomal dominant inheritance. Observed: 3 variant alleles, 3 heterozygotes.
Comment: This missense variant replaces valine with alanine at codon 1810 of the BRCA1 protein. Computational prediction suggests that this variant may have deleterious impact on protein structure and function (internally defined REVEL score threshold >= 0.7, PMID: 27666373). This variant has been reported to be functional in a haploid cell proliferation assay (PMID: 30209399). To our knowledge, this variant has not been reported in individuals affected with hereditary cancer in the literature. This variant has been identified in 1/251496 chromosomes in the general population by the Genome Aggregation Database (gnomAD). The available evidence is insufficient to determine the role of this variant in disease conclusively. Therefore, this variant is classified as a Variant of Uncertain Significance.

This study involves interpretation of variants in research participants for the purpose of population health screening. Participant phenotype was not available at the time of variant classification. Additional details can be found in publication PMID: 35346344, PMCID: PMC8962531